The following is an entry in ClinVar:

NM_000264.5(PTCH1):c.4137C>T (p.Val1379=)

Gene: PTCH1 (patched 1; minus strand). Cytogenetic location: 9q22.32.
Variant type: single nucleotide variant.
Coding change: c.4137C>T on transcript NM_000264.5 (MANE Select); coding-DNA position 4137, C replaced by T.
Protein change: p.Val1379=; no amino-acid change (valine 1379 retained).
Molecular consequence: synonymous variant. On other transcripts: non-coding transcript variant (1).
Genome position (GRCh38, 1-based): chr9:95,447,119, G>A on the plus strand (C>T on the coding strand, the complement: PTCH1 is on the minus strand). VCF-style: chr9-95447119-G-A. GRCh37 (hg19) VCF-style: chr9-98209401-G-A.
Other names: c.3939C>T, p.Val1313= (NM_001083602.3); c.4134C>T, p.Val1378= (NM_001083603.3); c.3684C>T, p.Val1228= (NM_001083604.3, NM_001083605.3, NM_001083606.3 and 1 more transcripts); c.3981C>T, p.Val1327= (NM_001354918.2).
Identifiers: ClinVar variation 220242 (VCV000220242.18), dbSNP rs149091602, ClinGen allele CA348798.

ClinVar aggregate classification (germline): Likely benign. Review status: criteria provided, multiple submitters, no conflicts (2 of 4 stars). 3 submissions from 3 submitters: Likely benign (2). 1 of the submissions does not count toward it. Last evaluated 2025-12-10.

Conditions:
Hereditary cancer-predisposing syndrome. Also called: Tumor predisposition; Hereditary neoplastic syndrome; Neoplastic Syndromes, Hereditary; Hereditary Cancer Syndrome. Identifiers: Orphanet 140162, MedGen C0027672, MeSH D009386, MONDO:0015356.
Gorlin syndrome. Also called: Nevoid Basal Cell Carcinoma Syndrome; Basal cell nevus syndrome. Identifiers: Orphanet 377, MedGen C0004779, MONDO:0007187.
PTCH1-related disorder. Also called: PTCH1-related disorders; PTCH1-related condition.

Allele frequency attached by ClinVar (database versions not stated): ExAC 0.00003; gnomAD 0.00003 and 0.00004; gnomAD exomes 0.00003 and 0.00004; TOPMed 0.00004.
gnomAD v4.1: 57 of 1,613,242 alleles (0.0035%); highest among the groups gnomAD compares: African/African-American, 0.008%; no homozygotes.

Submissions (3):

Labcorp Genetics (formerly Invitae), Labcorp
Classification: Likely benign for Gorlin syndrome. Last evaluated: 2025-12-10. Review status: criteria provided, single submitter. Criteria: Invitae Variant Classification Sherloc (09022015). Collection method: clinical testing. Allele origin: germline.

Ambry Genetics
Classification: Likely benign for Hereditary cancer-predisposing syndrome. Last evaluated: 2017-05-09. Review status: criteria provided, single submitter. Criteria: Ambry Variant Classification Scheme 2023. Collection method: clinical testing. Allele origin: germline.

PreventionGenetics, part of Exact Sciences
Classification: Likely benign for PTCH1-related condition. Last evaluated: 2020-01-31. Review status: no assertion criteria provided. Collection method: clinical testing. Allele origin: germline. Not counted in ClinVar's aggregate classification.
Comment: This variant is classified as likely benign based on ACMG/AMP sequence variant interpretation guidelines (Richards et al. 2015 PMID: 25741868, with internal and published modifications).